The following is an entry in ClinVar:

ClinVar aggregate classification (germline): Likely benign. Review status: criteria provided, multiple submitters, no conflicts (2 of 4 stars). 2 submissions from 2 submitters: Likely benign (2). Last evaluated 2026-08-01.

Allele frequency attached by ClinVar (database versions not stated): gnomAD 0.00003; gnomAD exomes 0.00004; ExAC 0.00005; TOPMed 0.00005.
gnomAD v4.1: 38 of 1,614,062 alleles (0.0024%); highest among the groups gnomAD compares: African/African-American, 0.0093%; no homozygotes.

Submissions (2):

CeGaT Center for Human Genetics Tuebingen
Classification: Likely benign. Last evaluated: 2026-08-01. Review status: criteria provided, single submitter. Criteria: CeGaT Center For Human Genetics Tuebingen Variant Classification Criteria Version 2. Collection method: clinical testing. Allele origin: germline. Affected: yes. Observed: 1 variant allele.
Comment: MTOR: BP4, BP7

Labcorp Genetics (formerly Invitae), Labcorp
Classification: Likely benign. Last evaluated: 2024-06-11. Review status: criteria provided, single submitter. Criteria: Invitae Variant Classification Sherloc (09022015). Collection method: clinical testing. Allele origin: germline.

NM_004958.4(MTOR):c.2040C>T (p.Asp680=)

Gene: MTOR (mechanistic target of rapamycin kinase; minus strand). Cytogenetic location: 1p36.22.
Variant type: single nucleotide variant.
Coding change: c.2040C>T on transcript NM_004958.4 (MANE Select); coding-DNA position 2040, C replaced by T.
Protein change: p.Asp680=; no amino-acid change (aspartic acid 680 retained).
Molecular consequence: synonymous variant.
Genome position (GRCh38, 1-based): chr1:11,238,011, G>A on the plus strand (C>T on the coding strand, the complement: MTOR is on the minus strand). VCF-style: chr1-11238011-G-A. GRCh37 (hg19) VCF-style: chr1-11298068-G-A.
Identifiers: ClinVar variation 734791 (VCV000734791.11), dbSNP rs200301884, ClinGen allele CA590582.